The following is an entry in ClinVar:

ClinVar aggregate classification (germline): Likely benign (1 of 4 stars; one submission).

Submission:

GeneDx
Classification: Likely benign. Last evaluated: 2017-05-26. Review status: criteria provided, single submitter. Criteria: GeneDx Variant Classification (06012015). Collection method: clinical testing. Allele origin: germline. Affected: yes.
Comment: This variant is considered likely benign or benign based on one or more of the following criteria: it is a conservative change, it occurs at a poorly conserved position in the protein, it is predicted to be benign by multiple in silico algorithms, and/or has population frequency not consistent with disease.

NC_000009.12:g.35658122G>A

Gene: RMRP (RNA component of mitochondrial RNA processing endoribonuclease; minus strand). Cytogenetic location: 9p13.3.
Variant type: single nucleotide variant.
Genome position: GRCh38 VCF-style: chr9-35658122-G-A. GRCh37 (hg19) VCF-style: chr9-35658119-G-A.
Identifiers: ClinVar variation 509753 (VCV000509753.2), dbSNP rs1554651647, ClinGen allele CA658797199.